The following is an entry in ClinVar:

ClinVar aggregate classification (germline): Likely benign. Review status: criteria provided, multiple submitters, no conflicts (2 of 4 stars). 2 submissions from 2 submitters: Likely benign (2). Last evaluated 2026-01-13.

Conditions:
Cortical dysplasia-focal epilepsy syndrome (PTHSL1). Also called: Pitt-Hopkins-like syndrome 1. Identifiers: Orphanet 163681, Orphanet 221150, MedGen C2750246, MONDO:0012400, OMIM 610042.

Allele frequency attached by ClinVar (database versions not stated): gnomAD 0.00005 and 0.00006; TOPMed 0.00005.
gnomAD v4.1: 44 of 1,613,482 alleles (0.0027%); highest among the groups gnomAD compares: Middle Eastern, 0.016%; no homozygotes.

Submissions (2):

Labcorp Genetics (formerly Invitae), Labcorp
Classification: Likely benign for Cortical dysplasia-focal epilepsy syndrome. Last evaluated: 2026-01-13. Review status: criteria provided, single submitter. Criteria: Invitae Variant Classification Sherloc (09022015). Collection method: clinical testing. Allele origin: germline.

GeneDx
Classification: Likely benign. Last evaluated: 2016-10-21. Review status: criteria provided, single submitter. Criteria: GeneDx Variant Classification (06012015). Collection method: clinical testing. Allele origin: germline. Affected: yes.
Comment: This variant is considered likely benign or benign based on one or more of the following criteria: it is a conservative change, it occurs at a poorly conserved position in the protein, it is predicted to be benign by multiple in silico algorithms, and/or has population frequency not consistent with disease.

NM_014141.6(CNTNAP2):c.1083+17G>A

Gene: CNTNAP2 (contactin associated protein 2; plus strand). Cytogenetic location: 7q35.
Variant type: single nucleotide variant.
Coding change: c.1083+17G>A on transcript NM_014141.6 (MANE Select); 17 bases into the intron after coding-DNA position 1083, G replaced by A.
Molecular consequence: intron variant.
Genome position (GRCh38, 1-based): chr7:147,128,853, G>A. VCF-style: chr7-147128853-G-A. GRCh37 (hg19) VCF-style: chr7-146825945-G-A.
Identifiers: ClinVar variation 390227 (VCV000390227.6), dbSNP rs112266985, ClinGen allele CA4545961.
Genomic context (GRCh38, chr7:147,128,853, plus strand): 5'-TTACTGATCTTGCCAGAAGGAAGAAATTAGAGCCCTCAAATGTGGTAAGGATTTTCACCC[G>A]CAAAATATTGGTCTATAAAATATCAAGTAACATTTTTGTTTTTTGGATTATTGAACAACA-3'